The following is an entry in ClinVar:

NM_030632.3(ASXL3):c.3007C>A (p.Pro1003Thr)

Gene: ASXL3 (ASXL transcriptional regulator 3; plus strand). Cytogenetic location: 18q12.1.
Variant type: single nucleotide variant.
Coding change: c.3007C>A on transcript NM_030632.3 (MANE Select); coding-DNA position 3007, C replaced by A.
Protein change: p.Pro1003Thr; replaces proline 1003 with threonine.
Molecular consequence: missense variant.
Genome position (GRCh38, 1-based): chr18:33,740,411, C>A. VCF-style: chr18-33740411-C-A. GRCh37 (hg19) VCF-style: chr18-31320375-C-A.
Other names: short protein forms P1003T.
Identifiers: ClinVar variation 3371150 (VCV003371150.1).

ClinVar aggregate classification (germline): Uncertain significance (1 of 4 stars; one submission).

Submission:

GeneDx
Classification: Uncertain significance. Last evaluated: 2024-03-24. Review status: criteria provided, single submitter. Criteria: GeneDx Variant Classification Process June 2021. Collection method: clinical testing. Allele origin: germline. Affected: yes.
Comment: Not observed at significant frequency in large population cohorts (gnomAD); In silico analysis supports that this missense variant does not alter protein structure/function; Has not been previously published as pathogenic or benign to our knowledge